The following is an entry in ClinVar:

NM_015450.3(POT1):c.1111C>T (p.Pro371Ser)

Gene: POT1 (protection of telomeres 1; minus strand). Cytogenetic location: 7q31.33.
Variant type: single nucleotide variant.
Coding change: c.1111C>T on transcript NM_015450.3 (MANE Select); coding-DNA position 1111, C replaced by T.
Protein change: p.Pro371Ser; replaces proline 371 with serine.
Molecular consequence: missense variant. On other transcripts: non-coding transcript variant (3).
Genome position (GRCh38, 1-based): chr7:124,842,859, G>A on the plus strand (C>T on the coding strand, the complement: POT1 is on the minus strand). VCF-style: chr7-124842859-G-A. GRCh37 (hg19) VCF-style: chr7-124482913-G-A.
Other names: c.718C>T, p.Pro240Ser (NM_001042594.2); short protein forms P240S, P371S.
Identifiers: ClinVar variation 4862394 (VCV004862394.1).

ClinVar aggregate classification (germline): Uncertain significance (1 of 4 stars; one submission).

Conditions:
Hereditary cancer-predisposing syndrome. Also called: Neoplastic Syndromes, Hereditary; Tumor predisposition; Hereditary Cancer Syndrome; Hereditary neoplastic syndrome. Identifiers: Orphanet 140162, MedGen C0027672, MeSH D009386, MONDO:0015356.

Submission:

Ambry Genetics
Classification: Uncertain significance for Hereditary cancer-predisposing syndrome. Last evaluated: 2026-04-28. Review status: criteria provided, single submitter. Criteria: Ambry Variant Classification Scheme 2023. Collection method: clinical testing. Allele origin: germline.
Comment: The p.P371S variant (also known as c.1111C>T), located in coding exon 9 of the POT1 gene, results from a C to T substitution at nucleotide position 1111. The proline at codon 371 is replaced by serine, an amino acid with similar properties. This amino acid position is conserved. In addition, this alteration is predicted to be deleterious by in silico analysis. Based on the available evidence, the clinical significance of this variant remains unclear.